The following is an entry in ClinVar:

ClinVar aggregate classification (germline): Uncertain significance (1 of 4 stars; one submission).

Conditions:
Aortic aneurysm, familial thoracic 8 (AAT8). Identifiers: MedGen C3809513, MONDO:0014187, OMIM 615436.

gnomAD v4.1: 20 of 1,611,518 alleles (0.0012%); highest among the groups gnomAD compares: Non-Finnish European, 0.0017%; no homozygotes.

Submission:

Labcorp Genetics (formerly Invitae), Labcorp
Classification: Uncertain significance for Aortic aneurysm, familial thoracic 8. Last evaluated: 2025-04-09. Review status: criteria provided, single submitter. Criteria: Invitae Variant Classification Sherloc (09022015). Collection method: clinical testing. Allele origin: germline.
Comment: This sequence change falls in intron 11 of the PRKG1 gene. It does not directly change the encoded amino acid sequence of the PRKG1 protein. It affects a nucleotide within the consensus splice site. This variant is not present in population databases (gnomAD no frequency). This variant has not been reported in the literature in individuals affected with PRKG1-related conditions. ClinVar contains an entry for this variant (Variation ID: 3674170). Variants that disrupt the consensus splice site are a relatively common cause of aberrant splicing (PMID: 17576681, 9536098). Algorithms developed to predict the effect of sequence changes on RNA splicing suggest that this variant is not likely to affect RNA splicing. In summary, the available evidence is currently insufficient to determine the role of this variant in disease. Therefore, it has been classified as a Variant of Uncertain Significance.

Literature cited by the submitters: PubMed 17576681; PubMed 9536098.

NM_006258.4(PRKG1):c.1313+5A>G

Gene: PRKG1 (protein kinase cGMP-dependent 1; plus strand). Cytogenetic location: 10q21.1.
Variant type: single nucleotide variant.
Coding change: c.1313+5A>G on transcript NM_006258.4 (MANE Select); 5 bases into the intron after coding-DNA position 1313, A replaced by G.
Molecular consequence: intron variant.
Genome position (GRCh38, 1-based): chr10:52,271,494, A>G. VCF-style: chr10-52271494-A-G. GRCh37 (hg19) VCF-style: chr10-54031254-A-G.
Other names: c.1268+5A>G (NM_001098512.3); c.104+5A>G (NM_001374781.1).
Identifiers: ClinVar variation 3674170 (VCV003674170.2).